The following is an entry in ClinVar:

NM_001162501.2(TNRC6B):c.4608G>A (p.Ser1536=)

Gene: TNRC6B (trinucleotide repeat containing adaptor 6B; plus strand). Cytogenetic location: 22q13.1.
Variant type: single nucleotide variant.
Coding change: c.4608G>A on transcript NM_001162501.2 (MANE Select); coding-DNA position 4608, G replaced by A.
Protein change: p.Ser1536=; no amino-acid change (serine 1536 retained).
Molecular consequence: synonymous variant.
Genome position (GRCh38, 1-based): chr22:40,312,927, G>A. VCF-style: chr22-40312927-G-A. GRCh37 (hg19) VCF-style: chr22-40708931-G-A.
Other names: c.2196G>A, p.Ser732= (NM_001024843.2); c.4278G>A, p.Ser1426= (NM_015088.3).
Identifiers: ClinVar variation 3053855 (VCV003053855.2), dbSNP rs373209801, ClinGen allele CA10247342.

ClinVar aggregate classification (germline): Likely benign (0 of 4 stars; one submission).

Conditions:
TNRC6B-related disorder. Also called: TNRC6B-related condition.

Allele frequency attached by ClinVar (database versions not stated): ExAC 0.00015; TOPMed 0.00017; gnomAD 0.00018; gnomAD exomes 0.00040; ESP Exome Variant Server 0.00041.
gnomAD v4.1: 596 of 1,613,606 alleles (0.037%); highest among the groups gnomAD compares: Non-Finnish European, 0.049%; no homozygotes.

Submission:

PreventionGenetics, part of Exact Sciences
Classification: Likely benign for TNRC6B-related condition. Last evaluated: 2019-08-21. Review status: no assertion criteria provided. Collection method: clinical testing. Allele origin: germline.
Comment: This variant is classified as likely benign based on ACMG/AMP sequence variant interpretation guidelines (Richards et al. 2015 PMID: 25741868, with internal and published modifications).